The following is an entry in ClinVar:

NM_000297.4(PKD2):c.464G>A (p.Arg155His)

Genes: PKD2 (polycystin 2, transient receptor potential cation channel; plus strand), LOC129992813 (ATAC-STARR-seq lymphoblastoid silent region 15559; plus strand). Cytogenetic location: 4q22.1.
Variant type: single nucleotide variant.
Coding change: c.464G>A on transcript NM_000297.4 (MANE Select); coding-DNA position 464, G replaced by A.
Protein change: p.Arg155His; replaces arginine 155 with histidine.
Molecular consequence: missense variant. On other transcripts: non-coding transcript variant (1).
Genome position (GRCh38, 1-based): chr4:88,008,197, G>A. VCF-style: chr4-88008197-G-A. GRCh37 (hg19) VCF-style: chr4-88929349-G-A.
Other names: c.464G>A, p.Arg155His (NM_001440544.1); short protein forms R155H.
Identifiers: ClinVar variation 5006804 (VCV005006804.2).
Genomic context (GRCh38, chr4:88,008,197, plus strand): 5'-GCGCGCGGAGCCGGGGGCTTGGGGGCTACCACGGCGCGGGCCACCCGAGCGGGAGGCGGC[G>A]CCGGCGAGAGGACCAGGGCCCGCCGTGCCCCAGCCCAGTCGGCGGCGGGGACCCGCTGCA-3'
Protein context (NP_000288.1, residues 145-165): HGAGHPSGRR[Arg155His]RREDQGPPCP

ClinVar aggregate classification (germline): Likely benign (1 of 4 stars; one submission).

Conditions:
Polycystic kidney disease 2 (PKD2). Also called: Polycystic Kidney Disease 2, Autosomal Dominant; POLYCYSTIC KIDNEY DISEASE 2 WITH OR WITHOUT POLYCYSTIC LIVER DISEASE; POLYCYSTIC KIDNEY DISEASE, ADULT, TYPE II. Identifiers: MedGen C2751306, MONDO:0013131, OMIM 613095.

Submission:

Juno Genomics, Hangzhou Juno Genomics, Inc
Classification: Likely benign for Polycystic kidney disease 2. Review status: criteria provided, single submitter. Criteria: ACMG Guidelines, 2015. Collection method: clinical testing. Allele origin: germline.
Comment: Absent from controls (or at extremely low frequency if recessive) in Genome Aggregation Database.;Multiple lines of computational evidence suggest no impact on gene or gene product.